The following is an entry in ClinVar:

NM_139057.4(ADAMTS17):c.*2528T>C

Gene: ADAMTS17 (ADAM metallopeptidase with thrombospondin type 1 motif 17; minus strand). Cytogenetic location: 15q26.3.
Variant type: single nucleotide variant.
Coding change: c.*2528T>C on transcript NM_139057.4 (MANE Select); 2528 bases downstream of the stop codon, T replaced by C.
Molecular consequence: 3 prime UTR variant.
Genome position (GRCh38, 1-based): chr15:99,971,874, A>G on the plus strand (T>C on the coding strand, the complement: ADAMTS17 is on the minus strand). VCF-style: chr15-99971874-A-G. GRCh37 (hg19) VCF-style: chr15-100512079-A-G.
Identifiers: ClinVar variation 315139 (VCV000315139.6), dbSNP rs8037666, ClinGen allele CA10636879.

ClinVar aggregate classification (germline): Benign. Review status: criteria provided, multiple submitters, no conflicts (2 of 4 stars). 2 submissions from 2 submitters: Benign (2). Last evaluated 2018-01-12.

Conditions:
Weill-Marchesani 4 syndrome, recessive. Also called: Weill-Marchesani syndrome 4. Identifiers: Orphanet 363992, MedGen C2750787, MONDO:0013176, OMIM 613195.

Allele frequency attached by ClinVar (database versions not stated): 1000 Genomes Project 0.42512; 1000 Genomes Project 30x 0.42645; TOPMed 0.45475; gnomAD 0.45976 and 0.46516; gnomAD exomes 0.50000.
gnomAD v4.1: 70,040 of 152,184 alleles (46%); highest among the groups gnomAD compares: Non-Finnish European, 48%; 16,272 homozygotes.

Submissions (2):

Illumina Laboratory Services, Illumina
Classification: Benign for Weill-Marchesani 4 syndrome, recessive. Last evaluated: 2018-01-12. Review status: criteria provided, single submitter. Criteria: ICSL Variant Classification Criteria 13 December 2019. Collection method: clinical testing. Allele origin: germline.
Comment: This variant was observed in the ICSL laboratory as part of a predisposition screen in an ostensibly healthy population. It had not been previously curated by ICSL or reported in the Human Gene Mutation Database (HGMD: prior to June 1st, 2018), and was therefore a candidate for classification through an automated scoring system. Utilizing variant allele frequency, disease prevalence and penetrance estimates, and inheritance mode, an automated score was calculated to assess if this variant is too frequent to cause the disease. Based on the score and internal cut-off values, a variant classified as benign is not then subjected to further curation. The score for this variant resulted in a classification of benign for this disease.

Breakthrough Genomics
Classification: Benign. Review status: criteria provided, single submitter. Criteria: ACMG Guidelines, 2015. Collection method: not provided. Allele origin: germline. Inheritance: Autosomal recessive inheritance. Affected: yes.